The following is an entry in ClinVar:

ClinVar aggregate classification (germline): Benign/Likely benign. Review status: criteria provided, multiple submitters, no conflicts (2 of 4 stars). 9 submissions from 9 submitters: Benign (3); Likely benign (5). 1 of the submissions does not count toward it. Last evaluated 2026-02-01.

Conditions:
SALL1-related disorder. Also called: SALL1-related condition.
Townes syndrome (TBS). Also called: Townes-Brocks syndrome. Identifiers: Orphanet 857, MedGen C0265246, MeSH C536974, MONDO:0007142.
Townes-Brocks syndrome 1 (TBS1). Also called: SALL1-Related Townes-Brocks Syndrome; DEAFNESS, SENSORINEURAL, WITH IMPERFORATE ANUS AND THUMB ANOMALIES; REAR SYNDROME; RENAL-EAR-ANAL-RADIAL SYNDROME. Identifiers: Orphanet 857, MedGen C4551481, MONDO:0054581, OMIM 107480.

Allele frequency attached by ClinVar (database versions not stated): gnomAD 0.00118 and 0.00124; 1000 Genomes Project 0.00120; 1000 Genomes Project 30x 0.00125; TOPMed 0.00136; ExAC 0.00145; gnomAD exomes 0.00145 and 0.00152; ESP Exome Variant Server 0.00192.
gnomAD v4.1: 2,423 of 1,614,066 alleles (0.15%); highest among the groups gnomAD compares: Middle Eastern, 0.53%; 4 homozygotes.

Submissions (9):

CeGaT Center for Human Genetics Tuebingen
Classification: Benign. Last evaluated: 2026-02-01. Review status: criteria provided, single submitter. Criteria: CeGaT Center For Human Genetics Tuebingen Variant Classification Criteria Version 2. Collection method: clinical testing. Allele origin: germline. Affected: yes. Observed: 9 variant alleles.
Comment: SALL1: BP4, BS1, BS2

Labcorp Genetics (formerly Invitae), Labcorp
Classification: Benign for Townes syndrome. Last evaluated: 2026-02-01. Review status: criteria provided, single submitter. Criteria: Invitae Variant Classification Sherloc (09022015). Collection method: clinical testing. Allele origin: germline.

Mayo Clinic Laboratories, Mayo Clinic
Classification: Likely benign. Last evaluated: 2025-10-17. Review status: criteria provided, single submitter. Criteria: ACMG Guidelines, 2015. Collection method: clinical testing. Allele origin: germline. Observed: 1 variant allele.
Comment: BS1, BP4

Blueprint Genetics
Classification: Likely benign. Last evaluated: 2024-11-27. Review status: criteria provided, single submitter. Criteria: ACMG Guidelines, 2015. Collection method: clinical testing. Allele origin: germline.

Fulgent Genetics
Classification: Likely benign for Townes-Brocks syndrome 1. Last evaluated: 2022-05-25. Review status: criteria provided, single submitter. Criteria: ACMG Guidelines, 2015. Collection method: clinical testing. Allele origin: unknown.

Mendelics
Classification: Likely benign for Townes-Brocks syndrome 1. Last evaluated: 2019-05-28. Review status: criteria provided, single submitter. Criteria: Mendelics Assertion Criteria 2017. Collection method: clinical testing. Allele origin: unknown.

Eurofins Ntd Llc (ga)
Classification: Likely benign. Last evaluated: 2016-06-10. Review status: criteria provided, single submitter. Criteria: EGL Classification Definitions 2015. Collection method: clinical testing. Allele origin: germline. Observed: 1 variant allele, 1 heterozygote.

GeneDx
Classification: Benign. Last evaluated: 2015-03-03. Review status: criteria provided, single submitter. Criteria: GeneDx Variant Classification Process June 2021. Collection method: clinical testing. Allele origin: germline. Affected: yes.

PreventionGenetics, part of Exact Sciences
Classification: Benign for SALL1-related condition. Last evaluated: 2019-04-02. Review status: no assertion criteria provided. Collection method: clinical testing. Allele origin: germline. Not counted in ClinVar's aggregate classification.
Comment: This variant is classified as benign based on ACMG/AMP sequence variant interpretation guidelines (Richards et al. 2015 PMID: 25741868, with internal and published modifications).

Literature cited by the submitters: PubMed 34426522 (cited by Mayo Clinic Laboratories, Mayo Clinic); PubMed 10533063 (cited by Eurofins Ntd Llc (ga)).

NM_002968.3(SALL1):c.3794G>A (p.Gly1265Glu)

Gene: SALL1 (spalt like transcription factor 1; minus strand). Cytogenetic location: 16q12.1.
Variant type: single nucleotide variant.
Coding change: c.3794G>A on transcript NM_002968.3 (MANE Select); coding-DNA position 3794, G replaced by A.
Protein change: p.Gly1265Glu; replaces glycine 1265 with glutamic acid.
Molecular consequence: missense variant.
Genome position (GRCh38, 1-based): chr16:51,137,293, C>T on the plus strand (G>A on the coding strand, the complement: SALL1 is on the minus strand). VCF-style: chr16-51137293-C-T. GRCh37 (hg19) VCF-style: chr16-51171204-C-T.
Other names: c.3503G>A, p.Gly1168Glu (NM_001127892.2); short protein forms G1265E, G1168E.
Identifiers: ClinVar variation 288122 (VCV000288122.46), dbSNP rs149302006, ClinGen allele CA8052827.